The following is an entry in ClinVar:

NM_006662.3(SRCAP):c.2410A>C (p.Lys804Gln)

Gene: SRCAP (Snf2 related CREBBP activator protein; plus strand). Cytogenetic location: 16p11.2.
Variant type: single nucleotide variant.
Coding change: c.2410A>C on transcript NM_006662.3 (MANE Select); coding-DNA position 2410, A replaced by C.
Protein change: p.Lys804Gln; replaces lysine 804 with glutamine.
Molecular consequence: missense variant.
Genome position (GRCh38, 1-based): chr16:30,713,628, A>C. VCF-style: chr16-30713628-A-C. GRCh37 (hg19) VCF-style: chr16-30724949-A-C.
Other names: short protein forms K804Q.
Identifiers: ClinVar variation 4781871 (VCV004781871.1).

ClinVar aggregate classification (germline): Uncertain significance (1 of 4 stars; one submission).

gnomAD v4.1: 3 of 1,614,120 alleles (0.00019%); highest among the groups gnomAD compares: Admixed American, 0.005%; no homozygotes.

Submission:

Labcorp Genetics (formerly Invitae), Labcorp
Classification: Uncertain significance. Last evaluated: 2025-08-06. Review status: criteria provided, single submitter. Criteria: Invitae Variant Classification Sherloc (09022015). Collection method: clinical testing. Allele origin: germline.
Comment: This sequence change replaces lysine, which is basic and polar, with glutamine, which is neutral and polar, at codon 804 of the SRCAP protein (p.Lys804Gln). This variant is present in population databases (rs753881990, gnomAD 0.01%). This variant has not been reported in the literature in individuals affected with SRCAP-related conditions. Invitae Evidence Modeling of protein sequence and biophysical properties (such as structural, functional, and spatial information, amino acid conservation, physicochemical variation, residue mobility, and thermodynamic stability) indicates that this missense variant is expected to disrupt SRCAP protein function with a positive predictive value of 80%. In summary, the available evidence is currently insufficient to determine the role of this variant in disease. Therefore, it has been classified as a Variant of Uncertain Significance.